The following is an entry in ClinVar:

NM_178140.4(PDZD2):c.1833G>A (p.Gln611=)

Gene: PDZD2 (PDZ domain containing 2; plus strand). Cytogenetic location: 5p13.3.
Variant type: single nucleotide variant.
Coding change: c.1833G>A on transcript NM_178140.4 (MANE Select); coding-DNA position 1833, G replaced by A.
Protein change: p.Gln611=; no amino-acid change (glutamine 611 retained).
Molecular consequence: synonymous variant.
Genome position (GRCh38, 1-based): chr5:32,053,816, G>A. VCF-style: chr5-32053816-G-A. GRCh37 (hg19) VCF-style: chr5-32053922-G-A.
Identifiers: ClinVar variation 3041738 (VCV003041738.2), dbSNP rs10940998, ClinGen allele CA3218994.

ClinVar aggregate classification (germline): Likely benign (0 of 4 stars; one submission).

Conditions:
PDZD2-related disorder. Also called: PDZD2-related condition.

Allele frequency attached by ClinVar (database versions not stated): 1000 Genomes Project 30x 0.00312; 1000 Genomes Project 0.00319; TOPMed 0.00434; ExAC 0.00562; ESP Exome Variant Server 0.00569; gnomAD 0.00598.
gnomAD v4.1: 12,892 of 1,613,612 alleles (0.8%); highest among the groups gnomAD compares: Non-Finnish European, 0.88%; 93 homozygotes.

Submission:

PreventionGenetics, part of Exact Sciences
Classification: Likely benign for PDZD2-related condition. Last evaluated: 2019-03-18. Review status: no assertion criteria provided. Collection method: clinical testing. Allele origin: germline.
Comment: This variant is classified as likely benign based on ACMG/AMP sequence variant interpretation guidelines (Richards et al. 2015 PMID: 25741868, with internal and published modifications).